The following is an entry in ClinVar:

ClinVar aggregate classification (germline): Uncertain significance (1 of 4 stars; one submission).

Conditions:
Hereditary cancer-predisposing syndrome. Also called: Hereditary Cancer Syndrome; Neoplastic Syndromes, Hereditary; Tumor predisposition; Hereditary neoplastic syndrome. Identifiers: Orphanet 140162, MedGen C0027672, MeSH D009386, MONDO:0015356.

Submission:

Ambry Genetics
Classification: Uncertain significance for Hereditary cancer-predisposing syndrome. Last evaluated: 2026-08-08. Review status: criteria provided, single submitter. Criteria: Ambry Variant Classification Scheme 2023. Collection method: clinical testing. Allele origin: germline.
Comment: The p.Y1701F variant (also known as c.5102A>T), located in coding exon 23 of the DICER1 gene, results from an A to T substitution at nucleotide position 5102. The tyrosine at codon 1701 is replaced by phenylalanine, an amino acid with highly similar properties. This amino acid position is conserved. In addition, the in silico prediction for this alteration is inconclusive. Based on the available evidence, the clinical significance of this variant remains unclear.

NM_177438.3(DICER1):c.5102A>T (p.Tyr1701Phe)

Gene: DICER1 (dicer 1, ribonuclease III; minus strand). Cytogenetic location: 14q32.13.
Variant type: single nucleotide variant.
Coding change: c.5102A>T on transcript NM_177438.3 (MANE Select); coding-DNA position 5102, A replaced by T.
Protein change: p.Tyr1701Phe; replaces tyrosine 1701 with phenylalanine.
Molecular consequence: missense variant. On other transcripts: non-coding transcript variant (6).
Genome position (GRCh38, 1-based): chr14:95,094,150, T>A on the plus strand (A>T on the coding strand, the complement: DICER1 is on the minus strand). VCF-style: chr14-95094150-T-A. GRCh37 (hg19) VCF-style: chr14-95560487-T-A.
Other names: c.4820A>T, p.Tyr1607Phe (NM_001395686.1); c.4697A>T, p.Tyr1566Phe (NM_001395687.1, NM_001395688.1, NM_001395689.1 and 1 more transcripts); c.4535A>T, p.Tyr1512Phe (NM_001395691.1); c.3419A>T, p.Tyr1140Phe (NM_001395697.1); c.5102A>T, p.Tyr1701Phe (NM_030621.4, NM_001195573.1, NM_001271282.3 and 8 more transcripts); short protein forms Y1140F, Y1512F, Y1566F, Y1607F, Y1701F.
Identifiers: ClinVar variation 5035307 (VCV005035307.1).